The following is an entry in ClinVar:

NM_001035.3(RYR2):c.14563A>G (p.Ile4855Val)

Gene: RYR2 (ryanodine receptor 2; plus strand). Cytogenetic location: 1q43.
Variant type: single nucleotide variant.
Coding change: c.14563A>G on transcript NM_001035.3 (MANE Select); coding-DNA position 14563, A replaced by G.
Protein change: p.Ile4855Val; replaces isoleucine 4855 with valine.
Molecular consequence: missense variant.
Genome position (GRCh38, 1-based): chr1:237,819,165, A>G. VCF-style: chr1-237819165-A-G. GRCh37 (hg19) VCF-style: chr1-237982465-A-G.
Other names: short protein forms I4855V.
Identifiers: ClinVar variation 2774426 (VCV002774426.5), dbSNP rs753365518, ClinGen allele CA085672.

ClinVar aggregate classification (germline): Uncertain significance. Review status: criteria provided, multiple submitters, no conflicts (2 of 4 stars). 2 submissions from 2 submitters: Uncertain significance (2). Last evaluated 2024-03-06.

Conditions:
Catecholaminergic polymorphic ventricular tachycardia 1. Also called: VENTRICULAR TACHYCARDIA, STRESS-INDUCED POLYMORPHIC 1; VENTRICULAR TACHYCARDIA, CATECHOLAMINERGIC POLYMORPHIC, 1, WITH OR WITHOUT ATRIAL DYSFUNCTION AND/OR DILATED CARDIOMYOPATHY; RYR2-Related Catecholaminergic Polymorphic Ventricular Tachycardia. Identifiers: Orphanet 3286, MedGen C1631597, MONDO:0011484, OMIM 604772.
Cardiomyopathy (CMYO). Also called: Cardiomyopathies. Identifiers: Orphanet 167848, MedGen C0878544, MONDO:0004994, HP:0001638. Inheritance: Various modes of inheritance.

Allele frequency attached by ClinVar (database versions not stated): gnomAD exomes below 0.00001; TOPMed below 0.00001; ExAC 0.00001.
gnomAD v4.1: 3 of 1,613,704 alleles (0.00019%); highest among the groups gnomAD compares: East Asian, 0.0045%; no homozygotes.

Submissions (2):

Color Diagnostics, LLC DBA Color Health
Classification: Uncertain significance for Cardiomyopathy. Last evaluated: 2024-03-06. Review status: criteria provided, single submitter. Criteria: ACMG Guidelines, 2015. Collection method: clinical testing. Allele origin: germline.
Comment: This missense variant replaces isoleucine with valine at codon 4855 of the RYR2 protein. Computational prediction suggests that this variant may have deleterious impact on protein structure and function (internally defined REVEL score threshold >= 0.7, PMID: 27666373). To our knowledge, functional studies have not been reported for this variant. This variant has not been reported in individuals affected with cardiovascular disorders in the literature. This variant has been identified in 1/249208 chromosomes in the general population by the Genome Aggregation Database (gnomAD). The available evidence is insufficient to determine the role of this variant in disease conclusively. Therefore, this variant is classified as a Variant of Uncertain Significance.

Labcorp Genetics (formerly Invitae), Labcorp
Classification: Uncertain significance for Catecholaminergic polymorphic ventricular tachycardia 1. Last evaluated: 2023-10-12. Review status: criteria provided, single submitter. Criteria: Invitae Variant Classification Sherloc (09022015). Collection method: clinical testing. Allele origin: germline.
Comment: This sequence change replaces isoleucine, which is neutral and non-polar, with valine, which is neutral and non-polar, at codon 4855 of the RYR2 protein (p.Ile4855Val). This variant is present in population databases (rs753365518, gnomAD 0.006%). This variant has not been reported in the literature in individuals affected with RYR2-related conditions. Advanced modeling of protein sequence and biophysical properties (such as structural, functional, and spatial information, amino acid conservation, physicochemical variation, residue mobility, and thermodynamic stability) performed at Invitae indicates that this missense variant is expected to disrupt RYR2 protein function. In summary, the available evidence is currently insufficient to determine the role of this variant in disease. Therefore, it has been classified as a Variant of Uncertain Significance.